The following is an entry in ClinVar:

NM_198576.4(AGRN):c.2496C>G (p.Asn832Lys)

Gene: AGRN (agrin; plus strand). Cytogenetic location: 1p36.33.
Variant type: single nucleotide variant.
Coding change: c.2496C>G on transcript NM_198576.4 (MANE Select); coding-DNA position 2496, C replaced by G.
Protein change: p.Asn832Lys; replaces asparagine 832 with lysine.
Molecular consequence: missense variant.
Genome position (GRCh38, 1-based): chr1:1,045,483, C>G. VCF-style: chr1-1045483-C-G. GRCh37 (hg19) VCF-style: chr1-980863-C-G.
Other names: c.2496C>G, p.Asn832Lys (NM_001305275.2); c.2181C>G, p.Asn727Lys (NM_001364727.2); short protein forms N832K, N727K.
Identifiers: ClinVar variation 643985 (VCV000643985.9), dbSNP rs142252759, ClinGen allele CA508649.

ClinVar aggregate classification (germline): Uncertain significance. Review status: criteria provided, multiple submitters, no conflicts (2 of 4 stars). 2 submissions from 2 submitters: Uncertain significance (2). Last evaluated 2024-09-04.

Conditions:
Inborn genetic diseases. Identifiers: MedGen C0950123, MeSH D030342.
Congenital myasthenic syndrome 8. Also called: MYASTHENIC SYNDROME, CONGENITAL, DUE TO AGRIN DEFICIENCY; Myasthenic syndrome, congenital, 8, with pre- and postsynaptic defects. Identifiers: Orphanet 590, MedGen C3808739, MONDO:0014052, OMIM 615120.

Allele frequency attached by ClinVar (database versions not stated): ExAC 0.00007; gnomAD exomes 0.00008; gnomAD 0.00028 and 0.00029; TOPMed 0.00029; 1000 Genomes Project 30x 0.00031; 1000 Genomes Project 0.00040; ESP Exome Variant Server 0.00046.
gnomAD v4.1: 86 of 1,613,000 alleles (0.0053%); highest among the groups gnomAD compares: African/African-American, 0.11%; no homozygotes.

Submissions (2):

Ambry Genetics
Classification: Uncertain significance for Inborn genetic diseases. Last evaluated: 2024-09-04. Review status: criteria provided, single submitter. Criteria: Ambry Variant Classification Scheme 2023. Collection method: clinical testing. Allele origin: germline.

Labcorp Genetics (formerly Invitae), Labcorp
Classification: Uncertain significance for Congenital myasthenic syndrome 8. Last evaluated: 2022-08-08. Review status: criteria provided, single submitter. Criteria: Invitae Variant Classification Sherloc (09022015). Collection method: clinical testing. Allele origin: germline.
Comment: This sequence change replaces asparagine, which is neutral and polar, with lysine, which is basic and polar, at codon 832 of the AGRN protein (p.Asn832Lys). This variant is present in population databases (rs142252759, gnomAD 0.1%). This variant has not been reported in the literature in individuals affected with AGRN-related conditions. ClinVar contains an entry for this variant (Variation ID: 643985). Algorithms developed to predict the effect of missense changes on protein structure and function are either unavailable or do not agree on the potential impact of this missense change (SIFT: "Deleterious"; PolyPhen-2: "Possibly Damaging"; Align-GVGD: "Class C0"). Algorithms developed to predict the effect of sequence changes on RNA splicing suggest that this variant may create or strengthen a splice site. In summary, the available evidence is currently insufficient to determine the role of this variant in disease. Therefore, it has been classified as a Variant of Uncertain Significance.